The following is an entry in ClinVar:

ClinVar aggregate classification (germline): Uncertain significance (1 of 4 stars; one submission).

Conditions:
Tremor, hereditary essential, 5 (ETM5). Identifiers: MedGen C4225223, MONDO:0014756, OMIM 616736.

gnomAD v4.1: 20 of 1,571,864 alleles (0.0013%); highest among the groups gnomAD compares: East Asian, 0.0024%; no homozygotes.

Submission:

Neuberg Centre For Genomic Medicine, NCGM
Classification: Uncertain significance for Tremor, hereditary essential, 5. Last evaluated: 2023-05-20. Review status: criteria provided, single submitter. Criteria: ACMG Guidelines, 2015. Collection method: clinical testing. Allele origin: germline. Inheritance: Autosomal dominant inheritance. Affected: yes.
Comment: The observed missense c.2422G>A (p.Gly808Ser) variant in TENM4 gene has not been reported previously as a pathogenic variant nor as a benign variant, to our knowledge. The p.Gly808Ser variant is present with allele frequency of 0.001% in gnomAD Exomes. This variant has not been submitted to the ClinVar database. Multiple lines of computational evidence (Polyphen - Probably Damaging, SIFT - Damaging and MutationTaster - Disease Causing) predict a damaging effect on protein structure and function for this variant. The amino acid change p.Gly808Ser in TENM4 is predicted as conserved by GERP++ and PhyloP across 100 vertebrates. The amino acid Gly at position 808 is changed to a Ser changing protein sequence and it might alter its composition and physico-chemical properties. For these reasons, this variant has been classified as a Variant of Uncertain Significance (VUS).

NM_001098816.3(TENM4):c.2422G>A (p.Gly808Ser)

Gene: TENM4 (teneurin transmembrane protein 4; minus strand). Cytogenetic location: 11q14.1.
Variant type: single nucleotide variant.
Coding change: c.2422G>A on transcript NM_001098816.3 (MANE Select); coding-DNA position 2422, G replaced by A.
Protein change: p.Gly808Ser; replaces glycine 808 with serine.
Molecular consequence: missense variant.
Genome position (GRCh38, 1-based): chr11:78,771,109, C>T on the plus strand (G>A on the coding strand, the complement: TENM4 is on the minus strand). VCF-style: chr11-78771109-C-T. GRCh37 (hg19) VCF-style: chr11-78482154-C-T.
Other names: short protein forms G808S.
Identifiers: ClinVar variation 3341446 (VCV003341446.1).